The following is an entry in ClinVar:

ClinVar aggregate classification (germline): Uncertain significance. Review status: criteria provided, multiple submitters, no conflicts (2 of 4 stars). 2 submissions from 2 submitters: Uncertain significance (2). Last evaluated 2025-10-05.

Conditions:
Lethal congenital glycogen storage disease of heart. Also called: PHOSPHORYLASE KINASE DEFICIENCY OF HEART; GLYCOGEN STORAGE DISEASE OF HEART. Identifiers: Orphanet 439854, MedGen C1849813, MONDO:0009867, OMIM 261740.
Cardiomyopathy (CMYO). Also called: Cardiomyopathies. Identifiers: Orphanet 167848, MedGen C0878544, MONDO:0004994, HP:0001638. Inheritance: Various modes of inheritance.

Allele frequency attached by ClinVar (database versions not stated): gnomAD exomes below 0.00001; ExAC 0.00001; gnomAD 0.00001.
gnomAD v4.1: 3 of 1,613,728 alleles (0.00019%); highest among the groups gnomAD compares: African/African-American, 0.004%; no homozygotes.

Submissions (2):

Color Diagnostics, LLC DBA Color Health
Classification: Uncertain significance for Cardiomyopathy. Last evaluated: 2025-10-05. Review status: criteria provided, single submitter. Criteria: ACMG Guidelines, 2015. Collection method: clinical testing. Allele origin: germline.
Comment: This missense variant replaces phenylalanine with tyrosine at codon 371 of the PRKAG2 protein. Computational prediction suggests that this variant may not impact protein structure and function. To our knowledge, functional studies have not been reported for this variant. This variant has not been reported in individuals affected with PRKAG2-related disorders in the literature. This variant has been identified in 2/282718 chromosomes in the general population by the Genome Aggregation Database (gnomAD). The available evidence is insufficient to determine the role of this variant in disease conclusively. Therefore, this variant is classified as a Variant of Uncertain Significance.

Labcorp Genetics (formerly Invitae), Labcorp
Classification: Uncertain significance for Lethal congenital glycogen storage disease of heart. Last evaluated: 2024-04-24. Review status: criteria provided, single submitter. Criteria: Invitae Variant Classification Sherloc (09022015). Collection method: clinical testing. Allele origin: germline.
Comment: This sequence change replaces phenylalanine, which is neutral and non-polar, with tyrosine, which is neutral and polar, at codon 371 of the PRKAG2 protein (p.Phe371Tyr). This variant is present in population databases (rs769892556, gnomAD 0.008%). This variant has not been reported in the literature in individuals affected with PRKAG2-related conditions. ClinVar contains an entry for this variant (Variation ID: 936910). Advanced modeling of protein sequence and biophysical properties (such as structural, functional, and spatial information, amino acid conservation, physicochemical variation, residue mobility, and thermodynamic stability) has been performed at Invitae for this missense variant, however the output from this modeling did not meet the statistical confidence thresholds required to predict the impact of this variant on PRKAG2 protein function. In summary, the available evidence is currently insufficient to determine the role of this variant in disease. Therefore, it has been classified as a Variant of Uncertain Significance.

NM_016203.4(PRKAG2):c.1112T>A (p.Phe371Tyr)

Gene: PRKAG2 (protein kinase AMP-activated non-catalytic subunit gamma 2; minus strand). Cytogenetic location: 7q36.1.
Variant type: single nucleotide variant.
Coding change: c.1112T>A on transcript NM_016203.4 (MANE Select); coding-DNA position 1112, T replaced by A.
Protein change: p.Phe371Tyr; replaces phenylalanine 371 with tyrosine.
Molecular consequence: missense variant.
Genome position (GRCh38, 1-based): chr7:151,568,837, A>T on the plus strand (T>A on the coding strand, the complement: PRKAG2 is on the minus strand). VCF-style: chr7-151568837-A-T. GRCh37 (hg19) VCF-style: chr7-151265923-A-T.
Other names: c.980T>A, p.Phe327Tyr (NM_001040633.2); c.737T>A, p.Phe246Tyr (NM_001304527.2); c.389T>A, p.Phe130Tyr (NM_001304531.2, NM_024429.2); c.740T>A, p.Phe247Tyr (NM_001363698.2); short protein forms F246Y, F130Y, F371Y, F327Y, F247Y.
Identifiers: ClinVar variation 936910 (VCV000936910.12), dbSNP rs769892556, ClinGen allele CA053674.